The following is an entry in ClinVar:

ClinVar aggregate classification (germline): Benign/Likely benign. Review status: criteria provided, multiple submitters, no conflicts (2 of 4 stars). 6 submissions from 6 submitters: Benign (4); Likely benign (2). Last evaluated 2026-02-04.

Allele frequency attached by ClinVar (database versions not stated): gnomAD exomes 0.04531 and 0.04722; 1000 Genomes Project 0.04573; 1000 Genomes Project 30x 0.04606; ExAC 0.04762; gnomAD 0.05640 and 0.05851; TOPMed 0.05746; ESP Exome Variant Server 0.06136.
gnomAD v4.1: 77,699 of 1,611,366 alleles (4.8%); highest among the groups gnomAD compares: Middle Eastern, 8.3%; 2,150 homozygotes.

Submissions (6):

Labcorp Genetics (formerly Invitae), Labcorp
Classification: Benign. Last evaluated: 2026-02-04. Review status: criteria provided, single submitter. Criteria: Invitae Variant Classification Sherloc (09022015). Collection method: clinical testing. Allele origin: germline.

Women's Health and Genetics/Laboratory Corporation of America, LabCorp
Classification: Likely benign. Last evaluated: 2026-01-21. Review status: criteria provided, single submitter. Criteria: LabCorp Variant Classification Summary - May 2015. Collection method: clinical testing. Allele origin: germline.

Blueprint Genetics
Classification: Likely benign. Last evaluated: 2024-11-26. Review status: criteria provided, single submitter. Criteria: ACMG Guidelines, 2015. Collection method: clinical testing. Allele origin: germline.

Mayo Clinic Laboratories, Mayo Clinic
Classification: Benign. Last evaluated: 2023-08-10. Review status: criteria provided, single submitter. Criteria: ACMG Guidelines, 2015. Collection method: clinical testing. Allele origin: germline. Observed: 40 variant alleles.
Comment: BA1, BS2, BP4

GeneDx
Classification: Benign. Last evaluated: 2020-04-29. Review status: criteria provided, single submitter. Criteria: GeneDx Variant Classification Process June 2021. Collection method: clinical testing. Allele origin: germline. Affected: yes.
Comment: This variant is associated with the following publications: (PMID: 21946017)

Breakthrough Genomics
Classification: Benign. Review status: criteria provided, single submitter. Criteria: ACMG Guidelines, 2015. Collection method: not provided. Allele origin: germline. Inheritance: Autosomal recessive inheritance. Affected: yes.

NM_033004.4(NLRP1):c.2984C>T (p.Thr995Ile)

Gene: NLRP1 (NLR family pyrin domain containing 1; minus strand). Cytogenetic location: 17p13.2.
Variant type: single nucleotide variant.
Coding change: c.2984C>T on transcript NM_033004.4 (MANE Select); coding-DNA position 2984, C replaced by T.
Protein change: p.Thr995Ile; replaces threonine 995 with isoleucine.
Molecular consequence: missense variant.
Genome position (GRCh38, 1-based): chr17:5,533,965, G>A on the plus strand (C>T on the coding strand, the complement: NLRP1 is on the minus strand). VCF-style: chr17-5533965-G-A. GRCh37 (hg19) VCF-style: chr17-5437285-G-A.
Other names: p.Thr995Ile; c.2984C>T, p.Thr995Ile (NM_001033053.3, NM_014922.5); c.2894C>T, p.Thr965Ile (NM_033006.4, NM_033007.4); short protein forms T965I, T995I.
Identifiers: ClinVar variation 1170553 (VCV001170553.14), dbSNP rs34733791, ClinGen allele CA8326971.
Genomic context (GRCh38, chr17:5,533,965, plus strand): 5'-AGTCTCTGCCGCTTGAGTGAGGATGTGCTATTACTCATCTCTCCCGTATCCAGGCCCTCA[G>A]TAGGGGTCATCACACTTGGTTTCCTGGACAAAGAATTGTTCATTCTGCCTAAGATCTTGG-3'
Protein context (NP_127497.1, residues 985-1005): SRRKPSVMTP[Thr995Ile]EGLDTGEMSN